The following is an entry in ClinVar:

NM_007294.4(BRCA1):c.212+3A>T

Gene: BRCA1 (BRCA1 DNA repair associated; minus strand). Cytogenetic location: 17q21.31.
Variant type: single nucleotide variant.
Coding change: c.212+3A>T on transcript NM_007294.4 (MANE Select); 3 bases into the intron after coding-DNA position 212, A replaced by T.
Molecular consequence: intron variant.
Genome position (GRCh38, 1-based): chr17:43,106,453, T>A on the plus strand (A>T on the coding strand, the complement: BRCA1 is on the minus strand). VCF-style: chr17-43106453-T-A. GRCh37 (hg19) VCF-style: chr17-41258470-T-A.
Other names: c.71+3A>T (NM_001408458.1, NM_001407931.1, NM_001407747.1 and 99 more transcripts); c.-218-11593A>T (NM_001407967.1, NM_001407966.1); c.-169-1497A>T (NM_001407959.1, NM_001407962.1, NM_001408512.1 and 4 more transcripts); c.2+25A>T (NM_001407885.1, NM_001407886.1, NM_001407898.1 and 58 more transcripts); c.212+3A>T (NM_001407686.1, NM_001408397.1, NM_001407632.1 and 167 more transcripts); c.81-1497A>T (NM_001408451.1); c.135-1497A>T (NM_001408475.1, NM_001407875.1, NM_001407659.1 and 21 more transcripts).
Identifiers: ClinVar variation 842403 (VCV000842403.11), dbSNP rs80358083, ClinGen allele CA916080879.

ClinVar aggregate classification (germline): Likely pathogenic (1 of 4 stars; one submission).

Conditions:
Hereditary breast ovarian cancer syndrome. Also called: Hereditary breast and/or ovarian cancer syndrome; BRCA1- and BRCA2-Associated Hereditary Breast and Ovarian Cancer; Hereditary breast and ovarian cancer syndrome; Hereditary breast and ovarian cancer; Hereditary breast and ovarian cancer syndrome (HBOC); Breast and ovarian cancer. Identifiers: Orphanet 145, MedGen C0677776, MeSH D061325, MONDO:0003582. Disease mechanism: loss of function.

Submissions (2):

Labcorp Genetics (formerly Invitae), Labcorp
Classification: Likely pathogenic for Hereditary breast ovarian cancer syndrome. Last evaluated: 2019-03-22. Review status: criteria provided, single submitter. Criteria: Invitae Variant Classification Sherloc (09022015). Collection method: clinical testing. Allele origin: germline.
Comment: In summary, the currently available evidence indicates that the variant is pathogenic, but additional data are needed to prove that conclusively. Therefore, this variant has been classified as Likely Pathogenic. A different variant affecting this nucleotide (c.212+3A>G) has been determined to be pathogenic (PMID: 10595255, 15026808, 9150151, 10090482, 12037674, 21673748). This suggests that this nucleotide is important for normal RNA splicing, and that other variants at this position may also be pathogenic. Nucleotide substitutions within the consensus splice site are a relatively common cause of aberrant splicing (PMID: 17576681, 9536098). Experimental studies have shown that this variant disrupts mRNA splicing and/or protein function (PMID: 30209399). This variant has been observed in individuals affected with or at high risk of breast and/or ovarian cancer (PMID: 30702160, 27157322). This variant is not present in population databases (ExAC no frequency). This sequence change falls in intron 4 of the BRCA1 gene. It does not directly change the encoded amino acid sequence of the BRCA1 protein, but it affects a nucleotide within the consensus splice site of the intron.

Brotman Baty Institute, University of Washington
No classification provided (evidence only). Condition: Breast-ovarian cancer, familial 1. Review status: no classification provided. Collection method: in vitro. Allele origin: not applicable. Functional consequence: functionally_abnormal. Not counted in ClinVar's aggregate classification.
ClinVar note: "not provided" was previously submitted as the classification for the variant. However, the classification appeared to be based only on an observation of functional data so it was converted to no classification on 2025-07-30.

Literature cited by the submitters: PubMed 10595255 (cited by Labcorp Genetics (formerly Invitae), Labcorp); PubMed 15026808 (cited by Labcorp Genetics (formerly Invitae), Labcorp); PubMed 9150151 (cited by Labcorp Genetics (formerly Invitae), Labcorp); PubMed 10090482 (cited by Labcorp Genetics (formerly Invitae), Labcorp); PubMed 12037674 (cited by Labcorp Genetics (formerly Invitae), Labcorp); PubMed 21673748 (cited by Labcorp Genetics (formerly Invitae), Labcorp); PubMed 17576681 (cited by Labcorp Genetics (formerly Invitae), Labcorp); PubMed 9536098 (cited by Labcorp Genetics (formerly Invitae), Labcorp); PubMed 30209399 (cited by Labcorp Genetics (formerly Invitae), Labcorp); PubMed 30702160 (cited by Labcorp Genetics (formerly Invitae), Labcorp); PubMed 27157322 (cited by Labcorp Genetics (formerly Invitae), Labcorp).